The following is an entry in ClinVar:

NM_001130987.2(DYSF):c.3176G>A (p.Arg1059His)

Gene: DYSF (dysferlin; plus strand). Cytogenetic location: 2p13.2.
Variant type: single nucleotide variant.
Coding change: c.3176G>A on transcript NM_001130987.2 (MANE Select); coding-DNA position 3176, G replaced by A.
Protein change: p.Arg1059His; replaces arginine 1059 with histidine.
Molecular consequence: missense variant.
Genome position (GRCh38, 1-based): chr2:71,570,689, G>A. VCF-style: chr2-71570689-G-A. GRCh37 (hg19) VCF-style: chr2-71797819-G-A.
Other names: c.3125G>A, p.Arg1042His (NM_001130455.2, NM_001130983.2); c.3080G>A, p.Arg1027His (NM_001130976.2, NM_001130977.2); c.3122G>A, p.Arg1041His (NM_001130978.2, NM_003494.4); c.3215G>A, p.Arg1072His (NM_001130979.2); c.3173G>A, p.Arg1058His (NM_001130980.2, NM_001130981.2); c.3218G>A, p.Arg1073His (NM_001130982.2); c.3083G>A, p.Arg1028His (NM_001130984.2, NM_001130986.2); c.3176G>A, p.Arg1059His (NM_001130985.2); and 1 more; short protein forms R1041H, R1059H, R1027H, R1028H, R1042H, R1072H, R1058H, R1073H.
Identifiers: ClinVar variation 499041 (VCV000499041.16), dbSNP rs754763074, ClinGen allele CA1706455.

ClinVar aggregate classification (germline): Conflicting classifications of pathogenicity. Review status: criteria provided, conflicting classifications (1 of 4 stars). 8 submissions from 6 submitters: Likely pathogenic (1); Uncertain significance (7). Last evaluated 2026-01-19.

Conditions:
Miyoshi muscular dystrophy 1 (MMD1). Identifiers: Orphanet 45448, MedGen C4551973, MONDO:0024545, OMIM 254130.
Distal myopathy with anterior tibial onset. Identifiers: Orphanet 178400, MedGen C1847532, MONDO:0011721, OMIM 606768.
Neuromuscular disease caused by qualitative or quantitative defects of dysferlin. Also called: Qualitative or quantitative defects of dysferlin; Dysferlinopathy. Identifiers: Orphanet 207073, MedGen C2931687, MONDO:0016145.
Autosomal recessive limb-girdle muscular dystrophy type 2B (LGMDR2). Also called: MUSCULAR DYSTROPHY, LIMB-GIRDLE, AUTOSOMAL RECESSIVE 2; Limb-Girdle Muscular Dystrophy Type 2B (LGMD2B); MUSCULAR DYSTROPHY, LIMB-GIRDLE, TYPE 3; Limb-girdle muscular dystrophy, type 2B. Identifiers: Orphanet 268, MedGen C1850889, MONDO:0009676, OMIM 253601.

Allele frequency attached by ClinVar (database versions not stated): gnomAD 0.00002; gnomAD exomes 0.00002; TOPMed 0.00002.
gnomAD v4.1: 27 of 1,613,912 alleles (0.0017%); highest among the groups gnomAD compares: East Asian, 0.0045%; no homozygotes.

Submissions (8):

Labcorp Genetics (formerly Invitae), Labcorp
Classification: Likely pathogenic for Neuromuscular disease caused by qualitative or quantitative defects of dysferlin. Last evaluated: 2026-01-19. Review status: criteria provided, single submitter. Criteria: Invitae Variant Classification Sherloc (09022015). Collection method: clinical testing. Allele origin: germline.
Comment: This sequence change replaces arginine, which is basic and polar, with histidine, which is basic and polar, at codon 1041 of the DYSF protein (p.Arg1041His). This variant is present in population databases (rs754763074, gnomAD 0.01%). This missense change has been observed in individual(s) with limb-girdle muscular dystrophy (PMID: 30564623). ClinVar contains an entry for this variant (Variation ID: 499041). Invitae Evidence Modeling of protein sequence and biophysical properties (such as structural, functional, and spatial information, amino acid conservation, physicochemical variation, residue mobility, and thermodynamic stability) indicates that this missense variant is expected to disrupt DYSF protein function with a positive predictive value of 80%. This variant disrupts the p.Arg1041 amino acid residue in DYSF. Other variant(s) that disrupt this residue have been determined to be pathogenic (PMID: 15469449, 33610434). This suggests that this residue is clinically significant, and that variants that disrupt this residue are likely to be disease-causing. In summary, the currently available evidence indicates that the variant is pathogenic, but additional data are needed to prove that conclusively. Therefore, this variant has been classified as Likely Pathogenic.

GeneDx
Classification: Uncertain significance. Last evaluated: 2025-02-04. Review status: criteria provided, single submitter. Criteria: GeneDx Variant Classification Process June 2021. Collection method: clinical testing. Allele origin: germline. Affected: yes.
Comment: Not observed at significant frequency in large population cohorts (gnomAD); In silico analysis supports that this missense variant has a deleterious effect on protein structure/function; Has been observed as a single heterozygous variant in one individual from a cohort of patient with suspected limb-girdle muscular dystrophies (PMID: 30564623); This variant is associated with the following publications: (PMID: 24438169, 30564623)

Revvity Omics, Revvity
Classification: Uncertain significance. Last evaluated: 2023-02-27. Review status: criteria provided, single submitter. Criteria: ACMG Guidelines, 2015. Collection method: clinical testing. Allele origin: germline.

Blueprint Genetics
Classification: Uncertain significance. Last evaluated: 2021-08-02. Review status: criteria provided, single submitter. Criteria: ACMG Guidelines, 2015. Collection method: clinical testing. Allele origin: germline.

Genome-Nilou Lab
Classification: Uncertain significance for Miyoshi muscular dystrophy 1. Last evaluated: 2021-07-14. Review status: criteria provided, single submitter. Criteria: ACMG Guidelines, 2015. Collection method: clinical testing. Allele origin: germline. Affected: no.

Genome-Nilou Lab
Classification: Uncertain significance for Autosomal recessive limb-girdle muscular dystrophy type 2B. Last evaluated: 2021-07-14. Review status: criteria provided, single submitter. Criteria: ACMG Guidelines, 2015. Collection method: clinical testing. Allele origin: germline. Affected: no.

Genome-Nilou Lab
Classification: Uncertain significance for Distal myopathy with anterior tibial onset. Last evaluated: 2021-07-14. Review status: criteria provided, single submitter. Criteria: ACMG Guidelines, 2015. Collection method: clinical testing. Allele origin: germline. Affected: no.

Eurofins Ntd Llc (ga)
Classification: Uncertain significance. Last evaluated: 2018-04-20. Review status: criteria provided, single submitter. Criteria: EGL ClinVar v180209 classification definitions. Collection method: clinical testing. Allele origin: germline. Observed: 1 variant allele, 1 heterozygote.

Literature cited by the submitters: PubMed 30564623 (cited by Labcorp Genetics (formerly Invitae), Labcorp); PubMed 15469449 (cited by Labcorp Genetics (formerly Invitae), Labcorp); PubMed 33610434 (cited by Labcorp Genetics (formerly Invitae), Labcorp).